The following is an entry in ClinVar:

NM_014946.4(SPAST):c.1675G>C (p.Gly559Arg)

Gene: SPAST (spastin; plus strand). Cytogenetic location: 2p22.3.
Variant type: single nucleotide variant.
Coding change: c.1675G>C on transcript NM_014946.4 (MANE Select); coding-DNA position 1675, G replaced by C.
Protein change: p.Gly559Arg; replaces glycine 559 with arginine.
Molecular consequence: missense variant. On other transcripts: intron variant (1).
Genome position (GRCh38, 1-based): chr2:32,144,995, G>C. VCF-style: chr2-32144995-G-C. GRCh37 (hg19) VCF-style: chr2-32370064-G-C.
Other names: c.1672G>C, p.Gly558Arg (NM_001363823.2); c.1576G>C, p.Gly526Arg (NM_001363875.2); c.1579G>C, p.Gly527Arg (NM_199436.2); c.1520+1580G>C (NM_001377959.1); short protein forms G559R, G526R, G527R, G558R.
Identifiers: ClinVar variation 240952 (VCV000240952.9), dbSNP rs878854992, ClinGen allele CA10581970.

ClinVar aggregate classification (germline): Pathogenic/Likely pathogenic. Review status: criteria provided, multiple submitters, no conflicts (2 of 4 stars). 2 submissions from 2 submitters: Pathogenic (1); Likely pathogenic (1). Last evaluated 2022-08-09.

Conditions:
Hereditary spastic paraplegia 4. Also called: Spastic paraplegia 4, autosomal dominant; Spastic Paraplegia 4; Familial spastic paraplegia autosomal dominant 2. Identifiers: Orphanet 100985, MedGen C1866855, MONDO:0008438, OMIM 182601.

Submissions (2):

Labcorp Genetics (formerly Invitae), Labcorp
Classification: Pathogenic for Hereditary spastic paraplegia 4. Last evaluated: 2022-08-09. Review status: criteria provided, single submitter. Criteria: Invitae Variant Classification Sherloc (09022015). Collection method: clinical testing. Allele origin: germline.
Comment: This variant is not present in population databases (gnomAD no frequency). This sequence change replaces glycine, which is neutral and non-polar, with arginine, which is basic and polar, at codon 559 of the SPAST protein (p.Gly559Arg). This missense change has been observed in individuals with hereditary spastic paraplegia (PMID: 22960362, 27688599). It has also been observed to segregate with disease in related individuals. ClinVar contains an entry for this variant (Variation ID: 240952). Advanced modeling of protein sequence and biophysical properties (such as structural, functional, and spatial information, amino acid conservation, physicochemical variation, residue mobility, and thermodynamic stability) performed at Invitae indicates that this missense variant is expected to disrupt SPAST protein function. This variant disrupts the p.Gly559 amino acid residue in SPAST. Other variant(s) that disrupt this residue have been determined to be pathogenic (PMID: 11087788, 11843700, 15248095, 17598600, 20718791, 22960362). This suggests that this residue is clinically significant, and that variants that disrupt this residue are likely to be disease-causing. For these reasons, this variant has been classified as Pathogenic.

Athena Diagnostics
Classification: Likely pathogenic. Last evaluated: 2022-04-14. Review status: criteria provided, single submitter. Criteria: Athena Diagnostics Criteria. Collection method: clinical testing. Allele origin: unknown.
Comment: This variant has been identified in at least one individual with clinical features associated with this gene. This variant has not been reported in large, multi-ethnic general populations. Multiple missense variants at this codon, including at least one considered to be pathogenic or likely pathogenic, have been reported in individuals with clinical features associated with this gene, suggesting this variant may also cause disease. Computational tools predict that this variant is damaging.

Literature cited by the submitters: PubMed 22960362 (cited by Labcorp Genetics (formerly Invitae), Labcorp and Athena Diagnostics); PubMed 27688599 (cited by Labcorp Genetics (formerly Invitae), Labcorp and Athena Diagnostics); PubMed 11087788 (cited by Labcorp Genetics (formerly Invitae), Labcorp); PubMed 11843700 (cited by Labcorp Genetics (formerly Invitae), Labcorp); PubMed 15248095 (cited by Labcorp Genetics (formerly Invitae), Labcorp); PubMed 17598600 (cited by Labcorp Genetics (formerly Invitae), Labcorp); PubMed 20718791 (cited by Labcorp Genetics (formerly Invitae), Labcorp).